The following is an entry in ClinVar:

ClinVar aggregate classification (germline): Uncertain significance (1 of 4 stars; one submission).

Conditions:
CEP290-related disorder. Also called: CEP290-related condition; CEP290-related disorders. Identifiers: MedGen CN239314.

gnomAD v4.1: 7 of 1,612,792 alleles (0.00043%); highest among the groups gnomAD compares: Non-Finnish European, 0.00051%; no homozygotes.

Submission:

PreventionGenetics, part of Exact Sciences
Classification: Uncertain significance for CEP290-related condition. Last evaluated: 2025-08-01. Review status: criteria provided, single submitter. Criteria: ACMG Guidelines, 2015. Collection method: clinical testing. Allele origin: germline.
Comment: The CEP290 c.4397T>C variant is predicted to result in the amino acid substitution p.Ile1466Thr. To our knowledge, this variant has not been reported in the literature. This variant is reported in 0.00089% of alleles in individuals of European (Non-Finnish) descent in gnomAD. At this time, the clinical significance of this variant is uncertain due to the absence of conclusive functional and genetic evidence.

NM_025114.4(CEP290):c.4397T>C (p.Ile1466Thr)

Gene: CEP290 (centrosomal protein 290; minus strand). Cytogenetic location: 12q21.32.
Variant type: single nucleotide variant.
Coding change: c.4397T>C on transcript NM_025114.4 (MANE Select); coding-DNA position 4397, T replaced by C.
Protein change: p.Ile1466Thr; replaces isoleucine 1466 with threonine.
Molecular consequence: missense variant.
Genome position (GRCh38, 1-based): chr12:88,086,079, A>G on the plus strand (T>C on the coding strand, the complement: CEP290 is on the minus strand). VCF-style: chr12-88086079-A-G. GRCh37 (hg19) VCF-style: chr12-88479856-A-G.
Other names: short protein forms I1466T.
Identifiers: ClinVar variation 4979453 (VCV004979453.1).